The following is an entry in ClinVar:

NM_024753.5(TTC21B):c.1195T>C (p.Tyr399His)

Gene: TTC21B (tetratricopeptide repeat domain 21B; minus strand). Cytogenetic location: 2q24.3.
Variant type: single nucleotide variant.
Coding change: c.1195T>C on transcript NM_024753.5 (MANE Select); coding-DNA position 1195, T replaced by C.
Protein change: p.Tyr399His; replaces tyrosine 399 with histidine.
Molecular consequence: missense variant.
Genome position (GRCh38, 1-based): chr2:165,929,326, A>G on the plus strand (T>C on the coding strand, the complement: TTC21B is on the minus strand). VCF-style: chr2-165929326-A-G. GRCh37 (hg19) VCF-style: chr2-166785836-A-G.
Other names: c.1195T>C (NM_024753.4, NM_024753.3); short protein forms Y399H.
Identifiers: ClinVar variation 1447495 (VCV001447495.10), dbSNP rs187985767, ClinGen allele CA1942200.

ClinVar aggregate classification (germline): Uncertain significance. Review status: criteria provided, multiple submitters, no conflicts (2 of 4 stars). 5 submissions from 5 submitters: Uncertain significance (5). Last evaluated 2026-08-25.

Conditions:
TTC21B-related disorder. Also called: TTC21B-related disorders; TTC21B-related condition.
Inborn genetic diseases. Identifiers: MedGen C0950123, MeSH D030342.
Nephronophthisis 12 (NPHP12). Identifiers: Orphanet 655, MedGen C3151186, MONDO:0013442, OMIM 613820.
Asphyxiating thoracic dystrophy 4 (SRTD4). Also called: SHORT-RIB THORACIC DYSPLASIA 4 WITH OR WITHOUT POLYDACTYLY; SHORT-RIB THORACIC DYSPLASIA 4. Identifiers: Orphanet 474, MedGen C3151185, MONDO:0013441, OMIM 613819.
Nephronophthisis. Also called: Juvenile Nephronophthisis. Identifiers: Orphanet 655, MedGen C0687120, MONDO:0019005, HP:0000090.
Jeune thoracic dystrophy. Also called: Jeune syndrome; Infantile thoracic dystrophy; Thoracic pelvic phalangeal dystrophy; Jeune's syndrome; Chondroectodermal dysplasia-like syndrome; Short-rib thoracic dysplasia. Identifiers: Orphanet 474, MedGen C0265275, MONDO:0018770.

Allele frequency attached by ClinVar (database versions not stated): gnomAD exomes 0.00001 and 0.00006; ExAC 0.00002; gnomAD 0.00009 and 0.00013; 1000 Genomes Project 0.00040; 1000 Genomes Project 30x 0.00047; TOPMed 0.00035.
gnomAD v4.1: 41 of 1,604,294 alleles (0.0026%); highest among the groups gnomAD compares: Admixed American, 0.059%; no homozygotes.

Submissions (5):

PreventionGenetics, part of Exact Sciences
Classification: Uncertain significance for TTC21B-related condition. Last evaluated: 2026-08-25. Review status: criteria provided, single submitter. Criteria: ACMG Guidelines, 2015. Collection method: clinical testing. Allele origin: germline.
Comment: The TTC21B c.1195T>C variant is predicted to result in the amino acid substitution p.Tyr399His. To our knowledge, this variant has not been reported in the literature. This variant is reported in 0.040% of alleles in individuals of Latino descent in gnomAD. At this time, the clinical significance of this variant is uncertain due to the absence of conclusive functional and genetic evidence.

Fulgent Genetics
Classification: Uncertain significance for Asphyxiating thoracic dystrophy 4; Nephronophthisis 12. Last evaluated: 2024-06-18. Review status: criteria provided, single submitter. Criteria: ACMG Guidelines, 2015. Collection method: clinical testing. Allele origin: germline.

Ambry Genetics
Classification: Uncertain significance for Inborn genetic diseases. Last evaluated: 2024-01-03. Review status: criteria provided, single submitter. Criteria: Ambry Variant Classification Scheme 2023. Collection method: clinical testing. Allele origin: germline.

Blueprint Genetics
Classification: Uncertain significance. Last evaluated: 2022-10-14. Review status: criteria provided, single submitter. Criteria: ACMG Guidelines, 2015. Collection method: clinical testing. Allele origin: germline.

Labcorp Genetics (formerly Invitae), Labcorp
Classification: Uncertain significance for Jeune thoracic dystrophy; Nephronophthisis. Last evaluated: 2022-10-13. Review status: criteria provided, single submitter. Criteria: Invitae Variant Classification Sherloc (09022015). Collection method: clinical testing. Allele origin: germline.
Comment: This sequence change replaces tyrosine, which is neutral and polar, with histidine, which is basic and polar, at codon 399 of the TTC21B protein (p.Tyr399His). This variant is present in population databases (rs187985767, gnomAD 0.04%). This variant has not been reported in the literature in individuals affected with TTC21B-related conditions. Advanced modeling of protein sequence and biophysical properties (such as structural, functional, and spatial information, amino acid conservation, physicochemical variation, residue mobility, and thermodynamic stability) has been performed at Invitae for this missense variant, however the output from this modeling did not meet the statistical confidence thresholds required to predict the impact of this variant on TTC21B protein function. In summary, the available evidence is currently insufficient to determine the role of this variant in disease. Therefore, it has been classified as a Variant of Uncertain Significance.